The following is an entry in ClinVar:

ClinVar aggregate classification (germline): Uncertain significance (1 of 4 stars; one submission).

Conditions:
Camptomelic dysplasia (CMPD). Also called: Campomelic Dysplasia; CMPD1/SRA1. Identifiers: Orphanet 140, MedGen C1861922, MONDO:0007251, OMIM 114290.

Submission:

Labcorp Genetics (formerly Invitae), Labcorp
Classification: Uncertain significance for Camptomelic dysplasia. Last evaluated: 2025-10-02. Review status: criteria provided, single submitter. Criteria: Invitae Variant Classification Sherloc (09022015). Collection method: clinical testing. Allele origin: germline.
Comment: This sequence change replaces glycine, which is neutral and non-polar, with serine, which is neutral and polar, at codon 217 of the SOX9 protein (p.Gly217Ser). This variant is not present in population databases (gnomAD no frequency). This variant has not been reported in the literature in individuals affected with SOX9-related conditions. ClinVar contains an entry for this variant (Variation ID: 2966158). Invitae Evidence Modeling of protein sequence and biophysical properties (such as structural, functional, and spatial information, amino acid conservation, physicochemical variation, residue mobility, and thermodynamic stability) indicates that this missense variant is not expected to disrupt SOX9 protein function with a negative predictive value of 95%. In summary, the available evidence is currently insufficient to determine the role of this variant in disease. Therefore, it has been classified as a Variant of Uncertain Significance.

NM_000346.4(SOX9):c.649G>A (p.Gly217Ser)

Gene: SOX9 (SRY-box transcription factor 9; plus strand). Cytogenetic location: 17q24.3.
Variant type: single nucleotide variant.
Coding change: c.649G>A on transcript NM_000346.4 (MANE Select); coding-DNA position 649, G replaced by A.
Protein change: p.Gly217Ser; replaces glycine 217 with serine.
Molecular consequence: missense variant.
Genome position (GRCh38, 1-based): chr17:72,122,936, G>A. VCF-style: chr17-72122936-G-A. GRCh37 (hg19) VCF-style: chr17-70119077-G-A.
Other names: short protein forms G217S.
Identifiers: ClinVar variation 2966158 (VCV002966158.3), dbSNP rs905638075, ClinGen allele CA400866744.